The following is an entry in ClinVar:

NM_000208.4(INSR):c.2212A>G (p.Asn738Asp)

Gene: INSR (insulin receptor; minus strand). Cytogenetic location: 19p13.2.
Variant type: single nucleotide variant.
Coding change: c.2212A>G on transcript NM_000208.4 (MANE Select); coding-DNA position 2212, A replaced by G.
Protein change: p.Asn738Asp; replaces asparagine 738 with aspartic acid.
Molecular consequence: missense variant.
Genome position (GRCh38, 1-based): chr19:7,152,745, T>C on the plus strand (A>G on the coding strand, the complement: INSR is on the minus strand). VCF-style: chr19-7152745-T-C. GRCh37 (hg19) VCF-style: chr19-7152756-T-C.
Other names: c.2212A>G, p.Asn738Asp (NM_001079817.3); short protein forms N738D.
Identifiers: ClinVar variation 4886153 (VCV004886153.2).

ClinVar aggregate classification (germline): Uncertain significance (1 of 4 stars; one submission).

Submission:

Dasa
Classification: Uncertain significance. Last evaluated: 2026-01-12. Review status: criteria provided, single submitter. Criteria: DASA Assertion Criteria. Collection method: clinical testing. Allele origin: germline.
Comment: NM_000208.4(INSR):c.2212A>G (p.Asn738Asp) is a missense variant that results in the substitution of asparagine with aspartic acid. This variant is rare in population databases. The currently available literature and clinical evidence are not sufficient to establish a definitive association between this variant and the reported condition. Therefore, this variant is classified as a variant of uncertain significance.